The following is an entry in ClinVar:

ClinVar aggregate classification (germline): Uncertain significance. Review status: criteria provided, multiple submitters, no conflicts (2 of 4 stars). 2 submissions from 2 submitters: Uncertain significance (2). Last evaluated 2024-12-31.

Allele frequency attached by ClinVar (database versions not stated): ExAC 0.00002; gnomAD exomes 0.00002 and 0.00006; gnomAD 0.00007; TOPMed 0.00010.
gnomAD v4.1: 97 of 1,614,034 alleles (0.006%); highest among the groups gnomAD compares: Admixed American, 0.018%; no homozygotes.

Submissions (2):

Labcorp Genetics (formerly Invitae), Labcorp
Classification: Uncertain significance. Last evaluated: 2024-12-31. Review status: criteria provided, single submitter. Criteria: Invitae Variant Classification Sherloc (09022015). Collection method: clinical testing. Allele origin: germline.
Comment: This sequence change replaces aspartic acid, which is acidic and polar, with asparagine, which is neutral and polar, at codon 881 of the CDK5RAP2 protein (p.Asp881Asn). This variant is present in population databases (rs766761953, gnomAD 0.01%). This variant has not been reported in the literature in individuals affected with CDK5RAP2-related conditions. ClinVar contains an entry for this variant (Variation ID: 422547). An algorithm developed to predict the effect of missense changes on protein structure and function outputs the following: PolyPhen-2: "Possibly Damaging". The asparagine amino acid residue is found in multiple mammalian species, which suggests that this missense change does not adversely affect protein function. In summary, the available evidence is currently insufficient to determine the role of this variant in disease. Therefore, it has been classified as a Variant of Uncertain Significance.

GeneDx
Classification: Uncertain significance. Last evaluated: 2016-10-25. Review status: criteria provided, single submitter. Criteria: GeneDx Variant Classification (06012015). Collection method: clinical testing. Allele origin: germline. Affected: yes.
Comment: The D881N variant in the CDK5RAP2 gene has not been reported previously as a pathogenic variant, nor as a benignvariant, to our knowledge. The D881N variant was not observed in approximately 6500 individuals of European andAfrican American ancestry in the NHLBI Exome Sequencing Project, indicating it is not a common benign variant inthese populations. The D881N variant is a semi-conservative amino acid substitution, which may impact secondaryprotein structure as these residues differ in some properties. However, this substitution occurs at a position that is notconserved and in silico analysis is inconsistent in its predictions as to whether or not the variant is damaging to theprotein structure/function. We interpret D881N as a variant of uncertain significance.

NM_018249.6(CDK5RAP2):c.2641G>A (p.Asp881Asn)

Gene: CDK5RAP2 (CDK5 regulatory subunit associated protein 2; minus strand). Cytogenetic location: 9q33.2.
Variant type: single nucleotide variant.
Coding change: c.2641G>A on transcript NM_018249.6 (MANE Select); coding-DNA position 2641, G replaced by A.
Protein change: p.Asp881Asn; replaces aspartic acid 881 with asparagine.
Molecular consequence: missense variant. On other transcripts: non-coding transcript variant (5), intron variant (1).
Genome position (GRCh38, 1-based): chr9:120,453,608, C>T on the plus strand (G>A on the coding strand, the complement: CDK5RAP2 is on the minus strand). VCF-style: chr9-120453608-C-T. GRCh37 (hg19) VCF-style: chr9-123215886-C-T.
Other names: c.2641G>A, p.Asp881Asn (NM_001011649.3); c.2104-5482G>A (NM_001272039.2); short protein forms D881N.
Identifiers: ClinVar variation 422547 (VCV000422547.5), dbSNP rs766761953, ClinGen allele CA5214028.